The following is an entry in ClinVar:

ClinVar aggregate classification (germline): Uncertain significance (1 of 4 stars; one submission).

gnomAD v4.1: 43 of 1,613,574 alleles (0.0027%); highest among the groups gnomAD compares: Admixed American, 0.017%; no homozygotes.

Submission:

Ambry Genetics
Classification: Uncertain significance. Last evaluated: 2026-08-10. Review status: criteria provided, single submitter. Criteria: Ambry Variant Classification Scheme 2023. Collection method: clinical testing. Allele origin: germline.
Comment: The c.5777C>T (p.P1926L) alteration is located in exon 31 (coding exon 31) of the MUC5B gene. This alteration results from a C to T substitution at nucleotide position 5777, causing the proline (P) at amino acid position 1926 to be replaced by a leucine (L). Based on data from gnomAD, the T allele has an overall frequency of 0.003% (9/280504) total alleles studied. The highest observed frequency was 0.028% (2/7132) of Other alleles. Based on insufficient or conflicting evidence, the clinical significance of this alteration remains unclear.

NM_002458.3(MUC5B):c.5777C>T (p.Pro1926Leu)

Genes: MUC5B (mucin 5B, oligomeric mucus/gel-forming; plus strand), MUC5B-AS1 (MUC5B antisense RNA 1; minus strand). Cytogenetic location: 11p15.5.
Variant type: single nucleotide variant.
Coding change: c.5777C>T on transcript NM_002458.3 (MANE Select); coding-DNA position 5777, C replaced by T.
Protein change: p.Pro1926Leu; replaces proline 1926 with leucine.
Molecular consequence: missense variant.
Genome position (GRCh38, 1-based): chr11:1,242,657, C>T. VCF-style: chr11-1242657-C-T. GRCh37 (hg19) VCF-style: chr11-1263887-C-T.
Other names: short protein forms P1926L.
Identifiers: ClinVar variation 3296940 (VCV003296940.2).